The following is an entry in ClinVar:

NM_001374736.1(DST):c.14646G>A (p.Leu4882=)

Gene: DST (dystonin; minus strand). Cytogenetic location: 6p12.1.
Variant type: single nucleotide variant.
Coding change: c.14646G>A on transcript NM_001374736.1 (MANE Select); coding-DNA position 14646, G replaced by A.
Protein change: p.Leu4882=; no amino-acid change (leucine 4882 retained).
Molecular consequence: synonymous variant.
Genome position (GRCh38, 1-based): chr6:56,555,835, C>T on the plus strand (G>A on the coding strand, the complement: DST is on the minus strand). VCF-style: chr6-56555835-C-T. GRCh37 (hg19) VCF-style: chr6-56420633-C-T.
Other names: c.8289G>A (NM_001144769.2); c.8289G>A, p.Leu2763= (NM_001144769.5); c.7875G>A, p.Leu2625= (NM_001144770.2); c.14646G>A, p.Leu4882= (NM_001374722.1); c.14013G>A, p.Leu4671= (NM_001374729.1); c.7755G>A, p.Leu2585= (NM_001374730.1, NM_001386100.1, NM_183380.4); c.14673G>A, p.Leu4891= (NM_001374734.1); c.6777G>A, p.Leu2259= (NM_015548.5).
Identifiers: ClinVar variation 1111323 (VCV001111323.11), dbSNP rs887717915, ClinGen allele CA139207624.

ClinVar aggregate classification (germline): Likely benign. Review status: criteria provided, single submitter (1 of 4 stars). 2 submissions from 2 submitters: Likely benign (1). 1 of the submissions does not count toward it. Last evaluated 2025-08-06.

Conditions:
Hereditary sensory and autonomic neuropathy type 6. Also called: HSAN VI; Neuropathy, hereditary sensory and autonomic, type VI. Identifiers: Orphanet 314381, MedGen C3539003, MONDO:0013839, OMIM 614653.
Epidermolysis bullosa simplex 3, localized or generalized intermediate, with BP230 deficiency (EBS3). Also called: Epidermolysis bullosa simplex, autosomal recessive 2; Epidermolysis bullosa simplex due to BP230 deficiency. Identifiers: Orphanet 412181, MedGen C3809470, MONDO:0014180, OMIM 615425.
DST-related disorder. Also called: DST-related condition; DST-related disorders.

Submissions (2):

Labcorp Genetics (formerly Invitae), Labcorp
Classification: Likely benign for Epidermolysis bullosa simplex 3, localized or generalized intermediate, with BP230 deficiency; Hereditary sensory and autonomic neuropathy type 6. Last evaluated: 2025-08-06. Review status: criteria provided, single submitter. Criteria: Invitae Variant Classification Sherloc (09022015). Collection method: clinical testing. Allele origin: germline.

PreventionGenetics, part of Exact Sciences
Classification: Likely benign for DST-related condition. Last evaluated: 2019-11-26. Review status: no assertion criteria provided. Collection method: clinical testing. Allele origin: germline. Not counted in ClinVar's aggregate classification.
Comment: This variant is classified as likely benign based on ACMG/AMP sequence variant interpretation guidelines (Richards et al. 2015 PMID: 25741868, with internal and published modifications).